The following is an entry in ClinVar:

ClinVar aggregate classification (germline): Uncertain significance. Review status: criteria provided, multiple submitters, no conflicts (2 of 4 stars). 2 submissions from 2 submitters: Uncertain significance (2). Last evaluated 2025-10-22.

Conditions:
Inborn genetic diseases. Identifiers: MedGen C0950123, MeSH D030342.

Allele frequency attached by ClinVar (database versions not stated): gnomAD exomes below 0.00001; gnomAD 0.00001.
gnomAD v4.1: 6 of 1,521,140 alleles (0.00039%); highest among the groups gnomAD compares: Non-Finnish European, 0.00053%; no homozygotes.

Submissions (2):

Ambry Genetics
Classification: Uncertain significance for Inborn genetic diseases. Last evaluated: 2025-10-22. Review status: criteria provided, single submitter. Criteria: Ambry Variant Classification Scheme 2023. Collection method: clinical testing. Allele origin: germline.

Labcorp Genetics (formerly Invitae), Labcorp
Classification: Uncertain significance. Last evaluated: 2022-05-09. Review status: criteria provided, single submitter. Criteria: Invitae Variant Classification Sherloc (09022015). Collection method: clinical testing. Allele origin: germline.
Comment: In summary, the available evidence is currently insufficient to determine the role of this variant in disease. Therefore, it has been classified as a Variant of Uncertain Significance. Algorithms developed to predict the effect of missense changes on protein structure and function are either unavailable or do not agree on the potential impact of this missense change (SIFT: "Not Available"; PolyPhen-2: "Benign"; Align-GVGD: "Not Available"). This variant has not been reported in the literature in individuals affected with ADSSL1-related conditions. The frequency data for this variant in the population databases is considered unreliable, as metrics indicate poor data quality at this position in the gnomAD database. This sequence change replaces threonine, which is neutral and polar, with lysine, which is basic and polar, at codon 102 of the ADSSL1 protein (p.Thr102Lys).

NM_152328.5(ADSS1):c.193-4823C>A

Gene: ADSS1 (adenylosuccinate synthase 1; plus strand). Cytogenetic location: 14q32.33.
Variant type: single nucleotide variant.
Coding change: c.193-4823C>A on transcript NM_152328.5 (MANE Select); 4823 bases into the intron before coding-DNA position 193, C replaced by A.
Molecular consequence: intron variant. On other transcripts: 5 prime UTR variant (1), missense variant (1).
Genome position (GRCh38, 1-based): chr14:104,730,197, C>A. VCF-style: chr14-104730197-C-A. GRCh37 (hg19) VCF-style: chr14-105196534-C-A.
Other names: c.-423C>A (NM_001320424.1); c.305C>A, p.Thr102Lys (NM_199165.2); c.305C>A (NM_199165.1); short protein forms T102K.
Identifiers: ClinVar variation 2135858 (VCV002135858.5), dbSNP rs1372082179, ClinGen allele CA391233302.